The following is an entry in ClinVar:

NM_001917.5(DAO):c.411A>C (p.Leu137=)

Gene: DAO (D-amino acid oxidase; plus strand). Cytogenetic location: 12q24.11.
Variant type: single nucleotide variant.
Coding change: c.411A>C on transcript NM_001917.5 (MANE Select); coding-DNA position 411, A replaced by C.
Protein change: p.Leu137=; no amino-acid change (leucine 137 retained).
Molecular consequence: synonymous variant.
Genome position (GRCh38, 1-based): chr12:108,890,232, A>C. VCF-style: chr12-108890232-A-C. GRCh37 (hg19) VCF-style: chr12-109284008-A-C.
Other names: c.411A>C, p.Leu137= (NM_001413634.1, NM_001413635.1).
Identifiers: ClinVar variation 3356835 (VCV003356835.1).

ClinVar aggregate classification (germline): Likely benign (0 of 4 stars; one submission).

Conditions:
DAO-related disorder. Also called: DAO-related condition.

gnomAD v4.1: 5 of 1,613,742 alleles (0.00031%); highest among the groups gnomAD compares: African/African-American, 0.0013%; no homozygotes.

Submission:

PreventionGenetics, part of Exact Sciences
Classification: Likely benign for DAO-related condition. Last evaluated: 2023-07-05. Review status: no assertion criteria provided. Collection method: clinical testing. Allele origin: germline.
Comment: This variant is classified as likely benign based on ACMG/AMP sequence variant interpretation guidelines (Richards et al. 2015 PMID: 25741868, with internal and published modifications).